The following is an entry in ClinVar:

NM_014423.4(AFF4):c.2649A>G (p.Pro883=)

Gene: AFF4 (ALF transcription elongation factor 4; minus strand). Cytogenetic location: 5q31.1.
Variant type: single nucleotide variant.
Coding change: c.2649A>G on transcript NM_014423.4 (MANE Select); coding-DNA position 2649, A replaced by G.
Protein change: p.Pro883=; no amino-acid change (proline 883 retained).
Molecular consequence: synonymous variant.
Genome position (GRCh38, 1-based): chr5:132,889,162, T>C on the plus strand (A>G on the coding strand, the complement: AFF4 is on the minus strand). VCF-style: chr5-132889162-T-C. GRCh37 (hg19) VCF-style: chr5-132224854-T-C.
Identifiers: ClinVar variation 5001591 (VCV005001591.1).

ClinVar aggregate classification (germline): Likely benign (1 of 4 stars; one submission).

Conditions:
AFF4-related disorder. Also called: AFF4-related condition.

gnomAD v4.1: 7 of 1,613,522 alleles (0.00043%); highest among the groups gnomAD compares: Admixed American, 0.0017%; no homozygotes.

Submission:

PreventionGenetics, part of Exact Sciences
Classification: Likely benign for AFF4-related condition. Last evaluated: 2025-01-23. Review status: criteria provided, single submitter. Criteria: ACMG Guidelines, 2015. Collection method: clinical testing. Allele origin: germline.
Comment: This variant is classified as likely benign based on ACMG/AMP sequence variant interpretation guidelines (Richards et al. 2015 PMID: 25741868, with internal and published modifications).